The following is an entry in ClinVar:

ClinVar aggregate classification (germline): Uncertain significance. Review status: criteria provided, multiple submitters, no conflicts (2 of 4 stars). 2 submissions from 2 submitters: Uncertain significance (2). Last evaluated 2025-12-22.

Conditions:
Inborn genetic diseases. Identifiers: MedGen C0950123, MeSH D030342.

Allele frequency attached by ClinVar (database versions not stated): ExAC 0.00003; TOPMed 0.00005; gnomAD 0.00007; 1000 Genomes Project 30x 0.00016; 1000 Genomes Project 0.00020.
gnomAD v4.1: 162 of 1,614,168 alleles (0.01%); highest among the groups gnomAD compares: Non-Finnish European, 0.013%; no homozygotes.

Submissions (2):

Labcorp Genetics (formerly Invitae), Labcorp
Classification: Uncertain significance. Last evaluated: 2025-12-22. Review status: criteria provided, single submitter. Criteria: Invitae Variant Classification Sherloc (09022015). Collection method: clinical testing. Allele origin: germline.
Comment: This sequence change replaces alanine, which is neutral and non-polar, with proline, which is neutral and non-polar, at codon 694 of the ALPK1 protein (p.Ala694Pro). This variant is present in population databases (rs199763265, gnomAD 0.007%). This variant has not been reported in the literature in individuals affected with ALPK1-related conditions. ClinVar contains an entry for this variant (Variation ID: 1982722). Invitae Evidence Modeling of protein sequence and biophysical properties (such as structural, functional, and spatial information, amino acid conservation, physicochemical variation, residue mobility, and thermodynamic stability) indicates that this missense variant is not expected to disrupt ALPK1 protein function with a negative predictive value of 80%. In summary, the available evidence is currently insufficient to determine the role of this variant in disease. Therefore, it has been classified as a Variant of Uncertain Significance.

Ambry Genetics
Classification: Uncertain significance for Inborn genetic diseases. Last evaluated: 2025-04-25. Review status: criteria provided, single submitter. Criteria: Ambry Variant Classification Scheme 2023. Collection method: clinical testing. Allele origin: germline.

NM_025144.4(ALPK1):c.2080G>C (p.Ala694Pro)

Gene: ALPK1 (alpha kinase 1; plus strand). Cytogenetic location: 4q25.
Variant type: single nucleotide variant.
Coding change: c.2080G>C on transcript NM_025144.4 (MANE Select); coding-DNA position 2080, G replaced by C.
Protein change: p.Ala694Pro; replaces alanine 694 with proline.
Molecular consequence: missense variant.
Genome position (GRCh38, 1-based): chr4:112,431,627, G>C. VCF-style: chr4-112431627-G-C. GRCh37 (hg19) VCF-style: chr4-113352783-G-C.
Other names: c.2080G>C, p.Ala694Pro (NM_001102406.2); c.1846G>C, p.Ala616Pro (NM_001253884.2); c.2080G>C (NM_025144.3); short protein forms A694P, A616P.
Identifiers: ClinVar variation 1982722 (VCV001982722.5), dbSNP rs199763265, ClinGen allele CA3046858.
Genomic context (GRCh38, chr4:112,431,627, plus strand): 5'-TTCTCGCCTCATAATACCCCAGGCATTTTCTTGGCCCCTGGTGCAGGGCTTCTAGAAGGA[G>C]CTCCAGAAGGTATCCAGGAAGTCAGAAATATGGGACCCAGAAATACTTCTGCTCACTCCA-3'
Protein context (NP_079420.3, residues 684-704): LAPGAGLLEG[Ala694Pro]PEGIQEVRNM